The following is an entry in ClinVar:

ClinVar aggregate classification (germline): Uncertain significance (1 of 4 stars; one submission).

Conditions:
Autosomal recessive limb-girdle muscular dystrophy type 2Y (MRRSDC). Also called: Muscular dystrophy, limb-girdle, type 2y; Muscular dystrophy, autosomal recessive, with rigid spine and distal joint contractures. Identifiers: Orphanet 424261, MedGen C4511482, MONDO:0014900, OMIM 617072.

Submission:

Labcorp Genetics (formerly Invitae), Labcorp
Classification: Uncertain significance for Autosomal recessive limb-girdle muscular dystrophy type 2Y. Last evaluated: 2017-06-28. Review status: criteria provided, single submitter. Criteria: Invitae Variant Classification Sherloc (09022015). Collection method: clinical testing. Allele origin: germline.
Comment: This variant has not been reported in the literature in individuals with TOR1AIP1-related disease. This variant is not present in population databases (ExAC no frequency). This sequence change replaces proline with arginine at codon 24 of the TOR1AIP1 protein (p.Pro24Arg). The proline residue is weakly conserved and there is a moderate physicochemical difference between proline and arginine. Algorithms developed to predict the effect of missense changes on protein structure and function do not agree on the potential impact of this missense change (SIFT: "Deleterious"; PolyPhen-2: "Probably Damaging"; Align-GVGD: "Class C0"). In summary, the available evidence is currently insufficient to determine the role of this variant in disease. Therefore, it has been classified as a Variant of Uncertain Significance.

NM_015602.4(TOR1AIP1):c.71C>G (p.Pro24Arg)

Genes: TOR1AIP1 (torsin 1A interacting protein 1; plus strand), LOC112577517 (Sharpr-MPRA regulatory region 13766; plus strand). Cytogenetic location: 1q25.2.
Variant type: single nucleotide variant.
Coding change: c.71C>G on transcript NM_015602.4 (MANE Select); coding-DNA position 71, C replaced by G.
Protein change: p.Pro24Arg; replaces proline 24 with arginine.
Molecular consequence: missense variant.
Genome position (GRCh38, 1-based): chr1:179,882,573, C>G. VCF-style: chr1-179882573-C-G. GRCh37 (hg19) VCF-style: chr1-179851708-C-G.
Other names: c.71C>G, p.Pro24Arg (NM_001267578.2); short protein forms P24R.
Identifiers: ClinVar variation 476289 (VCV000476289.5), dbSNP rs1553240696, ClinGen allele CA343577590.